The following is an entry in ClinVar:

ClinVar aggregate classification (germline): Uncertain significance (1 of 4 stars; one submission).

Conditions:
Alstrom syndrome (ALMS). Identifiers: Orphanet 64, MedGen C0268425, MONDO:0008763, OMIM 203800.

Submission:

Labcorp Genetics (formerly Invitae), Labcorp
Classification: Uncertain significance for Alstrom syndrome. Last evaluated: 2022-03-10. Review status: criteria provided, single submitter. Criteria: Invitae Variant Classification Sherloc (09022015). Collection method: clinical testing. Allele origin: germline.
Comment: This sequence change replaces leucine, which is neutral and non-polar, with arginine, which is basic and polar, at codon 2919 of the ALMS1 protein (p.Leu2919Arg). The frequency data for this variant in the population databases is considered unreliable, as metrics indicate poor data quality at this position in the gnomAD database. This variant has not been reported in the literature in individuals affected with ALMS1-related conditions. Experimental studies and prediction algorithms are not available or were not evaluated, and the functional significance of this variant is currently unknown. In summary, the available evidence is currently insufficient to determine the role of this variant in disease. Therefore, it has been classified as a Variant of Uncertain Significance.

NM_001378454.1(ALMS1):c.8753_8754delinsGA (p.Leu2918Arg)

Gene: ALMS1 (ALMS1 centrosome and basal body associated protein; plus strand). Cytogenetic location: 2p13.1.
Variant type: Indel.
Coding change: c.8753_8754delinsGA on transcript NM_001378454.1 (MANE Select); coding-DNA positions 8753 to 8754, TT replaced by GA.
Protein change: p.Leu2918Arg; replaces leucine 2918 with arginine.
Molecular consequence: missense variant.
Genome position (GRCh38, 1-based): chr2:73,490,712-73,490,713, TT replaced by GA. VCF-style: chr2-73490712-TT-GA. GRCh37 (hg19) VCF-style: chr2-73717839-TT-GA.
Other names: c.8756_8757delinsGA, p.Leu2919Arg (NM_015120.4); short protein forms L2918R, L2919R.
Identifiers: ClinVar variation 2158484 (VCV002158484.1), dbSNP rs2466217517, ClinGen allele CA2580068280.